The following is an entry in ClinVar:

NM_000426.4(LAMA2):c.5536G>A (p.Ala1846Thr)

Gene: LAMA2 (laminin subunit alpha 2; plus strand). Cytogenetic location: 6q22.33.
Variant type: single nucleotide variant.
Coding change: c.5536G>A on transcript NM_000426.4 (MANE Select); coding-DNA position 5536, G replaced by A.
Protein change: p.Ala1846Thr; replaces alanine 1846 with threonine.
Molecular consequence: missense variant.
Genome position (GRCh38, 1-based): chr6:129,401,314, G>A. VCF-style: chr6-129401314-G-A. GRCh37 (hg19) VCF-style: chr6-129722459-G-A.
Other names: p.Ala1846Thr; c.5536G>A, p.Ala1846Thr (NM_001079823.2); short protein forms A1846T.
Identifiers: ClinVar variation 904722 (VCV000904722.11), dbSNP rs764965268, ClinGen allele CA3993908.

ClinVar aggregate classification (germline): Uncertain significance. Review status: criteria provided, multiple submitters, no conflicts (2 of 4 stars). 4 submissions from 4 submitters: Uncertain significance (4). Last evaluated 2025-03-10.

Conditions:
Inborn genetic diseases. Identifiers: MedGen C0950123, MeSH D030342.
LAMA2-related muscular dystrophy (LAMA2-RD). Also called: Laminin alpha 2-related dystrophy. Identifiers: MedGen C5679788, MONDO:0100228.
Congenital muscular dystrophy due to partial LAMA2 deficiency. Identifiers: MedGen C1842898.

Allele frequency attached by ClinVar (database versions not stated): ExAC 0.00001; gnomAD 0.00001; gnomAD exomes 0.00001 and 0.00002; TOPMed 0.00002.
gnomAD v4.1: 35 of 1,608,974 alleles (0.0022%); highest among the groups gnomAD compares: Non-Finnish European, 0.003%; no homozygotes.

Submissions (4):

Mayo Clinic Laboratories, Mayo Clinic
Classification: Uncertain significance. Last evaluated: 2025-03-10. Review status: criteria provided, single submitter. Criteria: ACMG Guidelines, 2015. Collection method: clinical testing. Allele origin: germline. Observed: 1 variant allele.
Comment: BP4_moderate

Ambry Genetics
Classification: Uncertain significance for Inborn genetic diseases. Last evaluated: 2023-03-20. Review status: criteria provided, single submitter. Criteria: Ambry Variant Classification Scheme 2023. Collection method: clinical testing. Allele origin: germline.

Labcorp Genetics (formerly Invitae), Labcorp
Classification: Uncertain significance for LAMA2-related muscular dystrophy. Last evaluated: 2022-07-06. Review status: criteria provided, single submitter. Criteria: Invitae Variant Classification Sherloc (09022015). Collection method: clinical testing. Allele origin: germline.
Comment: This sequence change replaces alanine, which is neutral and non-polar, with threonine, which is neutral and polar, at codon 1846 of the LAMA2 protein (p.Ala1846Thr). This variant is present in population databases (rs764965268, gnomAD 0.002%). This variant has not been reported in the literature in individuals affected with LAMA2-related conditions. ClinVar contains an entry for this variant (Variation ID: 904722). Advanced modeling of protein sequence and biophysical properties (such as structural, functional, and spatial information, amino acid conservation, physicochemical variation, residue mobility, and thermodynamic stability) performed at Invitae indicates that this missense variant is not expected to disrupt LAMA2 protein function. In summary, the available evidence is currently insufficient to determine the role of this variant in disease. Therefore, it has been classified as a Variant of Uncertain Significance.

Illumina Laboratory Services, Illumina
Classification: Uncertain significance for Congenital muscular dystrophy due to partial LAMA2 deficiency. Last evaluated: 2018-03-30. Review status: criteria provided, single submitter. Criteria: ICSL Variant Classification Criteria 13 December 2019. Collection method: clinical testing. Allele origin: germline.